The following is an entry in ClinVar:

ClinVar aggregate classification (germline): Uncertain significance. Review status: criteria provided, multiple submitters, no conflicts (2 of 4 stars). 2 submissions from 2 submitters: Uncertain significance (2). Last evaluated 2024-01-11.

Conditions:
MHC class I deficiency. Identifiers: Orphanet 34592, MedGen C6024714, MONDO:0011476.
Inborn genetic diseases. Identifiers: MedGen C0950123, MeSH D030342.

Allele frequency attached by ClinVar (database versions not stated): gnomAD exomes 0.00015 and 0.00026; 1000 Genomes Project 30x 0.00016; TOPMed 0.00035; gnomAD 0.00023 and 0.00025; ESP Exome Variant Server 0.00036; ExAC 0.00017; 1000 Genomes Project 0.00020.
gnomAD v4.1: 426 of 1,611,582 alleles (0.026%); highest among the groups gnomAD compares: African/African-American, 0.053%; no homozygotes.

Submissions (2):

Labcorp Genetics (formerly Invitae), Labcorp
Classification: Uncertain significance for MHC class I deficiency 1. Last evaluated: 2024-01-11. Review status: criteria provided, single submitter. Criteria: Invitae Variant Classification Sherloc (09022015). Collection method: clinical testing. Allele origin: germline.
Comment: This sequence change replaces glutamic acid, which is acidic and polar, with lysine, which is basic and polar, at codon 592 of the TAP1 protein (p.Glu592Lys). This variant is present in population databases (rs149812348, gnomAD 0.05%). This variant has not been reported in the literature in individuals affected with TAP1-related conditions. ClinVar contains an entry for this variant (Variation ID: 855753). Algorithms developed to predict the effect of missense changes on protein structure and function output the following: SIFT: "Not Available"; PolyPhen-2: "Benign"; Align-GVGD: "Not Available". The lysine amino acid residue is found in multiple mammalian species, which suggests that this missense change does not adversely affect protein function. In summary, the available evidence is currently insufficient to determine the role of this variant in disease. Therefore, it has been classified as a Variant of Uncertain Significance.

Ambry Genetics
Classification: Uncertain significance for Inborn genetic diseases. Last evaluated: 2023-01-17. Review status: criteria provided, single submitter. Criteria: Ambry Variant Classification Scheme 2023. Collection method: clinical testing. Allele origin: germline.

NM_000593.6(TAP1):c.1594G>A (p.Glu532Lys)

Gene: TAP1 (transporter 1, ATP binding cassette subfamily B member; minus strand). Cytogenetic location: 6p21.32.
Variant type: single nucleotide variant.
Coding change: c.1594G>A on transcript NM_000593.6 (MANE Select); coding-DNA position 1594, G replaced by A.
Protein change: p.Glu532Lys; replaces glutamic acid 532 with lysine.
Molecular consequence: missense variant.
Genome position (GRCh38, 1-based): chr6:32,848,065, C>T on the plus strand (G>A on the coding strand, the complement: TAP1 is on the minus strand). VCF-style: chr6-32848065-C-T. GRCh37 (hg19) VCF-style: chr6-32815842-C-T.
Other names: c.991G>A, p.Glu331Lys (NM_001292022.2); short protein forms E592K, E331K, E532K.
Identifiers: ClinVar variation 855753 (VCV000855753.7), dbSNP rs149812348, ClinGen allele CA3746728.